The following is an entry in ClinVar:

NM_207319.4(PPP4R3C):c.2075_2140del (p.Val692_Glu713del)

Gene: PPP4R3C (protein phosphatase 4 regulatory subunit 3C; minus strand). Cytogenetic location: Xp21.3.
Variant type: Deletion.
Coding change: c.2075_2140del on transcript NM_207319.4 (MANE Select); coding-DNA positions 2075 to 2140, 66 bases deleted.
Protein change: p.Val692_Glu713del.
Genome position (GRCh38, 1-based): chrX:27,461,157-27,461,222, 66 bases deleted. GRCh37 (hg19): chrX:27,479,282-27,479,347.
Identifiers: ClinVar variation 3771192 (VCV003771192.13).

ClinVar aggregate classification (germline): Likely benign (1 of 4 stars; one submission).

Submission:

CeGaT Center for Human Genetics Tuebingen
Classification: Likely benign. Last evaluated: 2024-12-01. Review status: criteria provided, single submitter. Criteria: CeGaT Center For Human Genetics Tuebingen Variant Classification Criteria Version 2. Collection method: clinical testing. Allele origin: germline. Affected: yes. Observed: 1 variant allele.
Comment: PPP4R3C: PM4, BS2